The following is an entry in ClinVar:

NM_002941.4(ROBO1):c.4004A>T (p.Asp1335Val)

Gene: ROBO1 (roundabout guidance receptor 1; minus strand). Cytogenetic location: 3p12.3.
Variant type: single nucleotide variant.
Coding change: c.4004A>T on transcript NM_002941.4 (MANE Select); coding-DNA position 4004, A replaced by T.
Protein change: p.Asp1335Val; replaces aspartic acid 1335 with valine.
Molecular consequence: missense variant.
Genome position (GRCh38, 1-based): chr3:78,617,913, T>A on the plus strand (A>T on the coding strand, the complement: ROBO1 is on the minus strand). VCF-style: chr3-78617913-T-A. GRCh37 (hg19) VCF-style: chr3-78667063-T-A.
Other names: c.3869A>T, p.Asp1290Val (NM_001145844.1, NM_133631.4); c.3704A>T, p.Asp1235Val (NM_001145845.2); short protein forms D1290V, D1235V, D1335V.
Identifiers: ClinVar variation 1994021 (VCV001994021.4), dbSNP rs952617454, ClinGen allele CA353648591.

ClinVar aggregate classification (germline): Uncertain significance (1 of 4 stars; one submission).

Submission:

Labcorp Genetics (formerly Invitae), Labcorp
Classification: Uncertain significance. Last evaluated: 2022-07-09. Review status: criteria provided, single submitter. Criteria: Invitae Variant Classification Sherloc (09022015). Collection method: clinical testing. Allele origin: germline.
Comment: In summary, the available evidence is currently insufficient to determine the role of this variant in disease. Therefore, it has been classified as a Variant of Uncertain Significance. Advanced modeling of protein sequence and biophysical properties (such as structural, functional, and spatial information, amino acid conservation, physicochemical variation, residue mobility, and thermodynamic stability) performed at Invitae indicates that this missense variant is not expected to disrupt ROBO1 protein function. This sequence change replaces aspartic acid, which is acidic and polar, with valine, which is neutral and non-polar, at codon 1335 of the ROBO1 protein (p.Asp1335Val). This variant is not present in population databases (gnomAD no frequency). This variant has not been reported in the literature in individuals affected with ROBO1-related conditions.